The following is an entry in ClinVar:

ClinVar aggregate classification (germline): Uncertain significance. Review status: criteria provided, multiple submitters, no conflicts (2 of 4 stars). 2 submissions from 2 submitters: Uncertain significance (2). Last evaluated 2026-04-28.

Conditions:
CHARGE syndrome (CHARGE). Also called: Hittner Hirsch Kreh syndrome; CHARGE ASSOCIATION--COLOBOMA, HEART ANOMALY, CHOANAL ATRESIA, RETARDATION, GENITAL AND EAR ANOMALIES; Coloboma, heart anomaly, choanal atresia, retardation, genital and ear anomalies; CHARGE association; Hall-Hittner syndrome. Identifiers: Orphanet 138, MedGen C0265354, MONDO:0008965.
SEMA3E-related disorder. Also called: SEMA3E-related condition.

gnomAD v4.1: 2 of 1,613,590 alleles (0.00012%); highest among the groups gnomAD compares: Non-Finnish European, 0.00017%; no homozygotes.

Submissions (2):

PreventionGenetics, part of Exact Sciences
Classification: Uncertain significance for SEMA3E-related condition. Last evaluated: 2026-04-28. Review status: criteria provided, single submitter. Criteria: ACMG Guidelines, 2015. Collection method: clinical testing. Allele origin: germline.
Comment: The SEMA3E c.1777A>G variant is predicted to result in the amino acid substitution p.Ile593Val. To our knowledge, this variant has not been reported in the literature or in a large population database (gnomAD), indicating this variant is rare. At this time, the clinical significance of this variant is uncertain due to the absence of conclusive functional and genetic evidence.

Labcorp Genetics (formerly Invitae), Labcorp
Classification: Uncertain significance for CHARGE syndrome. Last evaluated: 2026-01-21. Review status: criteria provided, single submitter. Criteria: Invitae Variant Classification Sherloc (09022015). Collection method: clinical testing. Allele origin: germline.
Comment: This sequence change replaces isoleucine, which is neutral and non-polar, with valine, which is neutral and non-polar, at codon 593 of the SEMA3E protein (p.Ile593Val). This variant is not present in population databases (gnomAD no frequency). This variant has not been reported in the literature in individuals affected with SEMA3E-related conditions. Invitae Evidence Modeling of protein sequence and biophysical properties (such as structural, functional, and spatial information, amino acid conservation, physicochemical variation, residue mobility, and thermodynamic stability) indicates that this missense variant is not expected to disrupt SEMA3E protein function with a negative predictive value of 80%. In summary, the available evidence is currently insufficient to determine the role of this variant in disease. Therefore, it has been classified as a Variant of Uncertain Significance.

NM_012431.3(SEMA3E):c.1777A>G (p.Ile593Val)

Gene: SEMA3E (semaphorin 3E; minus strand). Cytogenetic location: 7q21.11.
Variant type: single nucleotide variant.
Coding change: c.1777A>G on transcript NM_012431.3 (MANE Select); coding-DNA position 1777, A replaced by G.
Protein change: p.Ile593Val; replaces isoleucine 593 with valine.
Molecular consequence: missense variant.
Genome position (GRCh38, 1-based): chr7:83,385,392, T>C on the plus strand (A>G on the coding strand, the complement: SEMA3E is on the minus strand). VCF-style: chr7-83385392-T-C. GRCh37 (hg19) VCF-style: chr7-83014708-T-C.
Other names: c.1777A>G (NM_012431.2); c.1597A>G, p.Ile533Val (NM_001178129.2); short protein forms I593V, I533V.
Identifiers: ClinVar variation 4748520 (VCV004748520.2).